The following is an entry in ClinVar:

NM_000059.4(BRCA2):c.6550C>G (p.Gln2184Glu)

Gene: BRCA2 (BRCA2 DNA repair associated; plus strand). Cytogenetic location: 13q13.1.
Variant type: single nucleotide variant.
Coding change: c.6550C>G on transcript NM_000059.4 (MANE Select); coding-DNA position 6550, C replaced by G.
Protein change: p.Gln2184Glu; replaces glutamine 2184 with glutamic acid.
Molecular consequence: missense variant.
Genome position (GRCh38, 1-based): chr13:32,340,905, C>G. VCF-style: chr13-32340905-C-G. GRCh37 (hg19) VCF-style: chr13-32915042-C-G.
Other names: p.Q2184E:CAG>GAG; 6778C>G; short protein forms Q2184E.
Identifiers: ClinVar variation 52126 (VCV000052126.35), dbSNP rs80358887, ClinGen allele CA024160.

ClinVar aggregate classification (germline): Conflicting classifications of pathogenicity. Review status: criteria provided, conflicting classifications (1 of 4 stars). 14 submissions from 14 submitters: Uncertain significance (4); Likely benign (6). 4 of the submissions do not count toward it. Last evaluated 2026-04-14.

Conditions:
Hereditary cancer-predisposing syndrome. Also called: Hereditary neoplastic syndrome; Neoplastic Syndromes, Hereditary; Hereditary Cancer Syndrome; Tumor predisposition. Identifiers: Orphanet 140162, MedGen C0027672, MeSH D009386, MONDO:0015356.
Hereditary breast ovarian cancer syndrome. Also called: Hereditary breast and ovarian cancer syndrome (HBOC); Breast and ovarian cancer; Hereditary breast and ovarian cancer syndrome; BRCA1- and BRCA2-Associated Hereditary Breast and Ovarian Cancer; Hereditary breast and/or ovarian cancer syndrome; Hereditary breast and ovarian cancer. Identifiers: Orphanet 145, MedGen C0677776, MeSH D061325, MONDO:0003582. Disease mechanism: loss of function.
Breast-ovarian cancer, familial, susceptibility to, 2 (BROVCA2). Also called: BRCA2 Hereditary Breast and Ovarian Cancer. Identifiers: Orphanet 145, MedGen C2675520, MONDO:0012933, OMIM 612555. Disease mechanism: loss of function.
Familial cancer of breast. Also called: BREAST CANCER, FAMILIAL; hereditary breast carcinoma; Hereditary breast cancer. Identifiers: Orphanet 227535, MedGen C0346153, MONDO:0016419, OMIM 114480. Disease mechanism: loss of function.

Allele frequency attached by ClinVar (database versions not stated): gnomAD exomes 0.00001; TOPMed 0.00001; gnomAD 0.00002; ExAC 0.00003; ESP Exome Variant Server 0.00008.
gnomAD v4.1: 20 of 1,608,860 alleles (0.0012%); highest among the groups gnomAD compares: Middle Eastern, 0.017%; no homozygotes.

Submissions (14):

Women's Health and Genetics/Laboratory Corporation of America, LabCorp
Classification: Uncertain significance. Last evaluated: 2026-04-14. Review status: criteria provided, single submitter. Criteria: LabCorp Variant Classification Summary - May 2015. Collection method: clinical testing. Allele origin: germline.
Comment: Variant summary: BRCA2 c.6550C>G (p.Gln2184Glu) results in a conservative amino acid change in the encoded protein sequence. Algorithms developed to predict the effect of missense changes on protein structure and function all suggest that this variant is likely to be tolerated. The variant allele was found at a frequency of 1.2e-05 in 245924 control chromosomes. The available data on variant occurrences in the general population are insufficient to allow any conclusion about variant significance. c.6550C>G has been observed in individuals affected with breast cancer without strong evidence of causality (e.g. El Saghir_2015, Bisgin_2022). These reports do not provide unequivocal conclusions about association of the variant with Hereditary Breast And Ovarian Cancer Syndrome. To our knowledge, no experimental evidence demonstrating an impact on protein function has been reported. The following publications have been ascertained in the context of this evaluation (PMID: 20167696, 25777348, 35753294). ClinVar contains an entry for this variant (Variation ID: 52126). Based on the evidence outlined above, the variant was classified as uncertain significance.

Labcorp Genetics (formerly Invitae), Labcorp
Classification: Likely benign for Hereditary breast ovarian cancer syndrome. Last evaluated: 2026-01-19. Review status: criteria provided, single submitter. Criteria: Invitae Variant Classification Sherloc (09022015). Collection method: clinical testing. Allele origin: germline.

Quest Diagnostics Nichols Institute San Juan Capistrano
Classification: Uncertain significance. Last evaluated: 2025-09-25. Review status: criteria provided, single submitter. Criteria: Quest Diagnostics criteria. Collection method: clinical testing. Allele origin: unknown.
Comment: The BRCA2 c.6550C>G (p.Gln2184Glu) variant has been reported in individuals with a personal or family history of breast and/or ovarian cancer (PMID: 37415649 (2023), 35753294 (2022), 34326862 (2021), 27153395 (2016), 25777348 (2015)). However, this variant has also been characterized to have a likelihood ratio favoring benign in a study based on personal/family history of cancer (PMID: 31853058 (2020)), and is described to be located in a region of the BRCA2 gene that is tolerant to missense sequence changes (PMID: 31911673 (2020)). The frequency of this variant in the general population (Genome Aggregation Database) is uninformative in the assessment of its pathogenicity. Analysis of this variant using bioinformatics tools for the prediction of the effect of amino acid changes on protein structure and function yielded predictions that this variant is benign. Based on the available information, we are unable to determine the clinical significance of this variant.

MGZ Medical Genetics Center
Classification: Likely benign for Familial cancer of breast. Last evaluated: 2024-02-09. Review status: criteria provided, single submitter. Criteria: CSpec BRCA1/2ACMG Rules Specifications V1.1.0. Collection method: clinical testing. Allele origin: germline. Affected: yes.
Comment: ACMG codes applied following ENIGMA VCEP rules: BP1_STR

All of Us Research Program, National Institutes of Health
Classification: Likely benign for Breast-ovarian cancer, familial, susceptibility to, 2. Last evaluated: 2023-09-17. Review status: criteria provided, single submitter. Criteria: ACMG Guidelines, 2015. Collection method: clinical testing. Allele origin: germline. Inheritance: Autosomal dominant inheritance. Observed: 5 variant alleles, 5 heterozygotes.
Comment: This study involves interpretation of variants in research participants for the purpose of population health screening. Participant phenotype was not available at the time of variant classification. Additional details can be found in publication PMID: 35346344, PMCID: PMC8962531

University of Washington Department of Laboratory Medicine, University of Washington
Classification: Likely benign for Hereditary cancer-predisposing syndrome. Last evaluated: 2023-03-23. Review status: criteria provided, single submitter. Criteria: Dines et al. (Genet Med. 2020). Collection method: curation. Allele origin: germline.
Comment: Missense variant in a coldspot region where missense variants are very unlikely to be pathogenic (PMID:31911673).

BRCA2 exon 11 coldspot. Reclassification based on statistical prior probability.

GeneDx
Classification: Uncertain significance. Last evaluated: 2022-09-01. Review status: criteria provided, single submitter. Criteria: GeneDx Variant Classification Process June 2021. Collection method: clinical testing. Allele origin: germline. Affected: yes.
Comment: Not observed at significant frequency in large population cohorts (gnomAD); In silico analysis supports that this missense variant does not alter protein structure/function; Also known as 6778 C>G; This variant is associated with the following publications: (PMID: 29884841, 31853058, 25777348)

Sema4
Classification: Uncertain significance for Hereditary cancer-predisposing syndrome. Last evaluated: 2021-09-09. Review status: criteria provided, single submitter. Criteria: Sema4 Curation Guidelines. Collection method: curation. Allele origin: germline.
Comment: The BRCA2 c.6550C>G (p.Q2184E) variant has been reported in heterozygosity in at least one individual with early-onset breast cancer (PMID: 25777348). This variant was observed in 3/245924 chromosomes in the large and broad cohorts of the Genome Aggregation Database (PMID: 32461654) and has been reported in ClinVar (Variation ID: 52126). Functional studies have not been performed, and in silico predictions of the variant's effect on protein function are inconclusive. Based on the current evidence available, this variant is interpreted as a variant of uncertain significance.

Ambry Genetics
Classification: Likely benign for Hereditary cancer-predisposing syndrome. Last evaluated: 2021-03-03. Review status: criteria provided, single submitter. Criteria: Ambry Variant Classification Scheme 2023. Collection method: clinical testing. Allele origin: germline.

Color Diagnostics, LLC DBA Color Health
Classification: Likely benign for Hereditary cancer-predisposing syndrome. Last evaluated: 2016-08-18. Review status: criteria provided, single submitter. Criteria: ACMG Guidelines, 2015. Collection method: clinical testing. Allele origin: germline.

BRCAlab, Lund University
Classification: Uncertain significance for Breast-ovarian cancer, familial, susceptibility to, 2. Last evaluated: 2020-03-02. Review status: no assertion criteria provided. Collection method: clinical testing. Allele origin: germline. Affected: yes. Not counted in ClinVar's aggregate classification.

Counsyl
Classification: Uncertain significance for Breast-ovarian cancer, familial, susceptibility to, 2. Last evaluated: 2016-02-19. Review status: no assertion criteria provided. Collection method: clinical testing. Allele origin: unknown. Not counted in ClinVar's aggregate classification.

Sharing Clinical Reports Project (SCRP)
Classification: Likely benign for Breast-ovarian cancer, familial 2. Last evaluated: 2010-03-11. Review status: no assertion criteria provided. Collection method: clinical testing. Allele origin: germline. Not counted in ClinVar's aggregate classification.

Breast Cancer Information Core (BIC) (BRCA2)
Classification: Uncertain significance for Breast-ovarian cancer, familial 2. Last evaluated: 2002-05-29. Review status: no assertion criteria provided. Collection method: clinical testing. Allele origin: germline. Affected: yes. Observed: 2 variant alleles. Not counted in ClinVar's aggregate classification.

Literature cited by the submitters: PubMed 20167696 (cited by Women's Health and Genetics/Laboratory Corporation of America, LabCorp and Quest Diagnostics Nichols Institute San Juan Capistrano); PubMed 25777348 (cited by 3 submitters); PubMed 35753294 (cited by Women's Health and Genetics/Laboratory Corporation of America, LabCorp and Quest Diagnostics Nichols Institute San Juan Capistrano); PubMed 27153395 (cited by Quest Diagnostics Nichols Institute San Juan Capistrano); PubMed 37415649 (cited by Quest Diagnostics Nichols Institute San Juan Capistrano); PubMed 34326862 (cited by Quest Diagnostics Nichols Institute San Juan Capistrano); PubMed 31853058 (cited by Quest Diagnostics Nichols Institute San Juan Capistrano); PubMed 31911673 (cited by Quest Diagnostics Nichols Institute San Juan Capistrano).